The following is an entry in ClinVar:

NM_000321.3(RB1):c.2539A>G (p.Lys847Glu)

Gene: RB1 (RB transcriptional corepressor 1; plus strand). Cytogenetic location: 13q14.2.
Variant type: single nucleotide variant.
Coding change: c.2539A>G on transcript NM_000321.3 (MANE Select); coding-DNA position 2539, A replaced by G.
Protein change: p.Lys847Glu; replaces lysine 847 with glutamic acid.
Molecular consequence: missense variant.
Genome position (GRCh38, 1-based): chr13:48,476,719, A>G. VCF-style: chr13-48476719-A-G. GRCh37 (hg19) VCF-style: chr13-49050855-A-G.
Other names: short protein forms K847E.
Identifiers: ClinVar variation 1060014 (VCV001060014.11), dbSNP rs2138358973, ClinGen allele CA388168223.

ClinVar aggregate classification (germline): Uncertain significance. Review status: criteria provided, multiple submitters, no conflicts (2 of 4 stars). 3 submissions from 3 submitters: Uncertain significance (3). Last evaluated 2023-06-09.

Conditions:
Retinoblastoma (RB1). Also called: RETINOBLASTOMA, SOMATIC. Identifiers: Orphanet 790, MedGen C0035335, MeSH D012175, MONDO:0008380, OMIM 180200, HP:0009919. Disease mechanism: loss of function. Inheritance: Both sporadic and heritable forms are tested..
Malignant tumor of urinary bladder. Also called: Urinary bladder cancer; Bladder cancer; Urinary Bladder Neoplasms. Identifiers: MedGen C0005684, MONDO:0001187, OMIM 109800.

gnomAD v4.1: 2 of 1,613,428 alleles (0.00012%); no homozygotes.

Submissions (3):

Baylor Genetics
Classification: Uncertain significance for Malignant tumor of urinary bladder. Last evaluated: 2023-06-09. Review status: criteria provided, single submitter. Criteria: ACMG Guidelines, 2015. Collection method: clinical testing. Allele origin: unknown.

All of Us Research Program, National Institutes of Health
Classification: Uncertain significance for Retinoblastoma. Last evaluated: 2023-05-30. Review status: criteria provided, single submitter. Criteria: ACMG Guidelines, 2015. Collection method: clinical testing. Allele origin: germline. Inheritance: Autosomal dominant inheritance. Observed: 1 variant allele, 1 heterozygote.
Comment: This missense variant replaces lysine with glutamic acid at codon 847 of the RB1 protein. Computational prediction is inconclusive regarding the impact of this variant on protein structure and function (internally defined REVEL score threshold 0.5 < inconclusive < 0.7, PMID: 27666373). To our knowledge, functional studies have not been reported for this variant. This variant has not been reported in individuals affected with RB1-related disorders in the literature. This variant has not been identified in the general population by the Genome Aggregation Database (gnomAD). The available evidence is insufficient to determine the role of this variant in disease conclusively. Therefore, this variant is classified as a Variant of Uncertain Significance.

This study involves interpretation of variants in research participants for the purpose of population health screening. Participant phenotype was not available at the time of variant classification. Additional details can be found in publication PMID: 35346344, PMCID: PMC8962531

Labcorp Genetics (formerly Invitae), Labcorp
Classification: Uncertain significance for Retinoblastoma. Last evaluated: 2020-09-30. Review status: criteria provided, single submitter. Criteria: Invitae Variant Classification Sherloc (09022015). Collection method: clinical testing. Allele origin: germline.
Comment: This sequence change replaces lysine with glutamic acid at codon 847 of the RB1 protein (p.Lys847Glu). The lysine residue is highly conserved and there is a small physicochemical difference between lysine and glutamic acid. This variant is not present in population databases (ExAC no frequency). This variant has not been reported in the literature in individuals with RB1-related conditions. Algorithms developed to predict the effect of missense changes on protein structure and function (SIFT, PolyPhen-2, Align-GVGD) all suggest that this variant is likely to be disruptive, but these predictions have not been confirmed by published functional studies and their clinical significance is uncertain. In summary, the available evidence is currently insufficient to determine the role of this variant in disease. Therefore, it has been classified as a Variant of Uncertain Significance.